The following is an entry in ClinVar:

NM_138477.4(CDAN1):c.3029G>A (p.Arg1010Gln)

Gene: CDAN1 (codanin 1; minus strand). Cytogenetic location: 15q15.2.
Variant type: single nucleotide variant.
Coding change: c.3029G>A on transcript NM_138477.4 (MANE Select); coding-DNA position 3029, G replaced by A.
Protein change: p.Arg1010Gln; replaces arginine 1010 with glutamine.
Molecular consequence: missense variant.
Genome position (GRCh38, 1-based): chr15:42,727,688, C>T on the plus strand (G>A on the coding strand, the complement: CDAN1 is on the minus strand). VCF-style: chr15-42727688-C-T. GRCh37 (hg19) VCF-style: chr15-43019886-C-T.
Other names: c.3029G>A (NM_138477.2); short protein forms R1010Q.
Identifiers: ClinVar variation 1908305 (VCV001908305.4), dbSNP rs371757369, ClinGen allele CA7515330.
Genomic context (GRCh38, chr15:42,727,688, plus strand): 5'-TCGGAGATGAGGTGGGAGGGGAGGGGAGCATGGTGCTCACAGGCGCGGGAGCAGCCCCTC[C>T]GCTCCCCCCGGGCAGCAGGTTCAGGACCCTGGGCTCGAAGTGTGCGACTCACTGCTGCTT-3'
Protein context (NP_612486.2, residues 1000-1020): QGPEPAARGE[Arg1010Gln]RGCSRACEHH

ClinVar aggregate classification (germline): Uncertain significance. Review status: criteria provided, multiple submitters, no conflicts (2 of 4 stars). 2 submissions from 2 submitters: Uncertain significance (2). Last evaluated 2024-01-08.

Conditions:
Inborn genetic diseases. Identifiers: MedGen C0950123, MeSH D030342.

Allele frequency attached by ClinVar (database versions not stated): TOPMed 0.00003; ExAC 0.00007; ESP Exome Variant Server 0.00008.
gnomAD v4.1: 64 of 1,585,826 alleles (0.004%); highest among the groups gnomAD compares: South Asian, 0.045%; 2 homozygotes.

Submissions (2):

Ambry Genetics
Classification: Uncertain significance for Inborn genetic diseases. Last evaluated: 2024-01-08. Review status: criteria provided, single submitter. Criteria: Ambry Variant Classification Scheme 2023. Collection method: clinical testing. Allele origin: germline.

Labcorp Genetics (formerly Invitae), Labcorp
Classification: Uncertain significance. Last evaluated: 2022-04-21. Review status: criteria provided, single submitter. Criteria: Invitae Variant Classification Sherloc (09022015). Collection method: clinical testing. Allele origin: germline.
Comment: This sequence change replaces arginine, which is basic and polar, with glutamine, which is neutral and polar, at codon 1010 of the CDAN1 protein (p.Arg1010Gln). This variant is present in population databases (rs371757369, gnomAD 0.06%). This variant has not been reported in the literature in individuals affected with CDAN1-related conditions. Algorithms developed to predict the effect of missense changes on protein structure and function output the following: SIFT: "Tolerated"; PolyPhen-2: "Benign"; Align-GVGD: "Class C0". The glutamine amino acid residue is found in multiple mammalian species, which suggests that this missense change does not adversely affect protein function. In summary, the available evidence is currently insufficient to determine the role of this variant in disease. Therefore, it has been classified as a Variant of Uncertain Significance.